The following is an entry in ClinVar:

NM_178857.6(RP1L1):c.3413A>C (p.Lys1138Thr)

Gene: RP1L1 (RP1 like 1). Cytogenetic location: 8p23.1.
Variant type: single nucleotide variant.
Coding change: c.3413A>C on transcript NM_178857.6 (MANE Select); coding-DNA position 3413, A replaced by C.
Protein change: p.Lys1138Thr; replaces lysine 1138 with threonine.
Molecular consequence: missense variant.
Genome position (GRCh38, 1-based): chr8:10,610,685, T>G on the plus strand (A>C on the coding strand, the complement: RP1L1 is on the minus strand). VCF-style: chr8-10610685-T-G. GRCh37 (hg19) VCF-style: chr8-10468195-T-G.
Other names: c.3413A>C (NM_178857.5); short protein forms K1138T.
Identifiers: ClinVar variation 3249559 (VCV003249559.4).

ClinVar aggregate classification (germline): Conflicting classifications of pathogenicity. Review status: criteria provided, conflicting classifications (1 of 4 stars). 4 submissions from 4 submitters: Uncertain significance (2); Likely benign (1). 1 of the submissions does not count toward it. Last evaluated 2026-06-04.

Conditions:
RP1L1-related disorder. Also called: RP1L1-related condition.
Inborn genetic diseases. Identifiers: MedGen C0950123, MeSH D030342.
Retinal dystrophy. Also called: Inherited retinal dystrophy. Identifiers: Orphanet 71862, MedGen C0854723, MeSH D058499, MONDO:0019118, HP:0000556.

gnomAD v4.1: 134 of 1,612,102 alleles (0.0083%); highest among the groups gnomAD compares: African/African-American, 0.15%; no homozygotes.

Submissions (4):

PreventionGenetics, part of Exact Sciences
Classification: Uncertain significance for RP1L1-related condition. Last evaluated: 2026-06-04. Review status: criteria provided, single submitter. Criteria: ACMG Guidelines, 2015. Collection method: clinical testing. Allele origin: germline.
Comment: The RP1L1 c.3413A>C variant is predicted to result in the amino acid substitution p.Lys1138Thr. To our knowledge, this variant has not been reported in the literature. This variant is reported in 0.14% of alleles in individuals of African descent in gnomAD, which may be too frequent to be a primary cause of disease. Although we suspect that this variant may be benign, at this time, the clinical significance of this variant is uncertain due to the absence of conclusive functional and genetic evidence.

Blueprint Genetics
Classification: Likely benign. Last evaluated: 2024-09-02. Review status: criteria provided, single submitter. Criteria: ACMG Guidelines, 2015. Collection method: clinical testing. Allele origin: germline.

Ambry Genetics
Classification: Uncertain significance for Inborn genetic diseases. Last evaluated: 2024-06-10. Review status: criteria provided, single submitter. Criteria: Ambry Variant Classification Scheme 2023. Collection method: clinical testing. Allele origin: germline.

Institute of Human Genetics, Univ. Regensburg, Univ. Regensburg
Classification: Uncertain significance for Retinal dystrophy. Last evaluated: 2023-01-01. Review status: no assertion criteria provided. Criteria: ACMG Guidelines, 2015. Collection method: clinical testing. Allele origin: germline. Affected: yes. Not counted in ClinVar's aggregate classification.